The following is an entry in ClinVar:

ClinVar aggregate classification (germline): Pathogenic/Likely pathogenic. Review status: criteria provided, multiple submitters, no conflicts (2 of 4 stars). 3 submissions from 3 submitters: Pathogenic (2); Likely pathogenic (1). Last evaluated 2026-03-19.

Conditions:
USH2A-related disorder. Also called: USH2A-related disorders; USH2A-related condition. Identifiers: MedGen CN239332.
Usher syndrome type 2A. Also called: RETINAL DISEASE IN USHER SYNDROME TYPE IIA, MODIFIER OF; USHER SYNDROME, TYPE IIA. Identifiers: Orphanet 231178, Orphanet 886, MedGen C1848634, MONDO:0010169, OMIM 276901.

gnomAD v4.1: 1 of 1,613,840 alleles (0.000062%); highest among the groups gnomAD compares: African/African-American, 0.0013%; no homozygotes.

Submissions (3):

Myriad Genetics, Inc.
Classification: Pathogenic for USH2A-related disorder. Last evaluated: 2026-03-19. Review status: criteria provided, single submitter. Criteria: Myriad Autosomal Dominant, Autosomal Recessive and X-Linked Classification Criteria (2023). Collection method: clinical testing. Allele origin: unknown.
Comment: NM_206933.2(USH2A):c.9723C>G(Y3241*) is expected to be pathogenic in the context of USH2A-related disorders. This variant is predicted to lead to an abnormal or absent protein product due to the creation of a premature termination codon in USH2A, a gene where loss-of-function variants are known to be pathogenic. Please note: this variant was assessed in the context of healthy population screening.

Natera, Inc.
Classification: Likely pathogenic for Usher syndrome type 2A. Last evaluated: 2024-10-21. Review status: criteria provided, single submitter. Criteria: Natera Variant Classification Schema (03/2026). Collection method: clinical testing. Allele origin: germline.
Comment: The c.9723C>G variant in USH2A is a nonsense variant predicted to introduce a stop codon at amino acid 3241. This variant is expected to result in nonsense mediated decay, truncation, or a dysfunctional protein product. This variant is rare in the general population with a frequency below the threshold expected for the associated phenotype(s). Given the available evidence, this variant is classified as Likely Pathogenic.

Labcorp Genetics (formerly Invitae), Labcorp
Classification: Pathogenic. Last evaluated: 2021-01-14. Review status: criteria provided, single submitter. Criteria: Invitae Variant Classification Sherloc (09022015). Collection method: clinical testing. Allele origin: germline.
Comment: For these reasons, this variant has been classified as Pathogenic. Algorithms developed to predict the effect of sequence changes on RNA splicing suggest that this variant may create or strengthen a splice site, but this prediction has not been confirmed by published transcriptional studies. This nonsense change has been observed in individual(s) with Usher syndrome (PMID: 26338283). This variant is not present in population databases (ExAC no frequency). This sequence change creates a premature translational stop signal (p.Tyr3241*) in the USH2A gene. It is expected to result in an absent or disrupted protein product. Loss-of-function variants in USH2A are known to be pathogenic (PMID: 10729113, 10909849, 20507924, 25649381).

Literature cited by the submitters: PubMed 26338283 (cited by Labcorp Genetics (formerly Invitae), Labcorp); PubMed 10729113 (cited by Labcorp Genetics (formerly Invitae), Labcorp); PubMed 10909849 (cited by Labcorp Genetics (formerly Invitae), Labcorp); PubMed 20507924 (cited by Labcorp Genetics (formerly Invitae), Labcorp); PubMed 25649381 (cited by Labcorp Genetics (formerly Invitae), Labcorp).

NM_206933.4(USH2A):c.9723C>G (p.Tyr3241Ter)

Gene: USH2A (usherin; minus strand). Cytogenetic location: 1q41.
Variant type: single nucleotide variant.
Coding change: c.9723C>G on transcript NM_206933.4 (MANE Select); coding-DNA position 9723, C replaced by G.
Protein change: p.Tyr3241Ter; replaces tyrosine 3241 with a stop codon.
Molecular consequence: nonsense.
Genome position (GRCh38, 1-based): chr1:215,813,752, G>C on the plus strand (C>G on the coding strand, the complement: USH2A is on the minus strand). VCF-style: chr1-215813752-G-C. GRCh37 (hg19) VCF-style: chr1-215987094-G-C.
Other names: c.9723C>G (NM_206933.2); short protein forms Y3241*.
Identifiers: ClinVar variation 1371135 (VCV001371135.10), dbSNP rs6660707, ClinGen allele CA344821405.